The following is an entry in ClinVar:

ClinVar aggregate classification (germline): Likely benign (0 of 4 stars; one submission).

Conditions:
MYO5B-related disorder. Also called: MYO5B-related condition.

Submission:

PreventionGenetics, part of Exact Sciences
Classification: Likely benign for MYO5B-related condition. Last evaluated: 2022-10-31. Review status: no assertion criteria provided. Collection method: clinical testing. Allele origin: germline.
Comment: This variant is classified as likely benign based on ACMG/AMP sequence variant interpretation guidelines (Richards et al. 2015 PMID: 25741868, with internal and published modifications).

NM_001080467.3(MYO5B):c.3844-9del

Gene: MYO5B (myosin VB; minus strand). Cytogenetic location: 18q21.1.
Variant type: Deletion.
Coding change: c.3844-9del on transcript NM_001080467.3 (MANE Select); 9 bases into the intron before coding-DNA position 3844, one base deleted (G; older notation c.3844-9delG).
Molecular consequence: intron variant.
Genome position (GRCh38, 1-based): chr18:49,863,336, C deleted on the plus strand (G on the coding strand, the reverse complement: MYO5B is on the minus strand); the first of 4 consecutive C bases (chr18:49,863,336-49,863,339); deleting any one gives the same sequence. VCF-style (leftmost placement, unchanged base first): chr18-49863335-GC-G. GRCh37 (hg19) VCF-style: chr18-47389705-GC-G.
Identifiers: ClinVar variation 3055486 (VCV003055486.2), dbSNP rs745658311, ClinGen allele CA8960552.